The following is an entry in ClinVar:

NM_001148.6(ANK2):c.4316G>T (p.Gly1439Val)

Gene: ANK2 (ankyrin 2; plus strand). Cytogenetic location: 4q26.
Variant type: single nucleotide variant.
Coding change: c.4316G>T on transcript NM_001148.6 (MANE Select); coding-DNA position 4316, G replaced by T.
Protein change: p.Gly1439Val; replaces glycine 1439 with valine.
Molecular consequence: missense variant.
Genome position (GRCh38, 1-based): chr4:113,345,967, G>T. VCF-style: chr4-113345967-G-T. GRCh37 (hg19) VCF-style: chr4-114267123-G-T.
Other names: c.4289G>T, p.Gly1430Val (NM_001127493.3); c.4328G>T, p.Gly1443Val (NM_001354225.2); c.4217G>T, p.Gly1406Val (NM_001354228.2, NM_001354258.2); c.4295G>T, p.Gly1432Val (NM_001354230.2); c.4358G>T, p.Gly1453Val (NM_001354231.2, NM_001354242.2); c.4352G>T, p.Gly1451Val (NM_001354232.2); c.4313G>T, p.Gly1438Val (NM_001354235.2, NM_001354246.2, NM_001354265.2); c.4214G>T, p.Gly1405Val (NM_001354236.2); and 31 more; short protein forms G1311V, G1373V, G1385V, G1392V, G1417V, G1422V, G1430V, G1439V.
Identifiers: ClinVar variation 934976 (VCV000934976.7), dbSNP rs758274171, ClinGen allele CA103806804.

ClinVar aggregate classification (germline): Uncertain significance. Review status: criteria provided, multiple submitters, no conflicts (2 of 4 stars). 2 submissions from 2 submitters: Uncertain significance (2). Last evaluated 2024-09-08.

Conditions:
Cardiovascular phenotype. Identifiers: MedGen CN230736.
Long QT syndrome (LQTS). Identifiers: MedGen C0023976, MeSH D008133, MONDO:0002442. Disease mechanism: loss of function. Inheritance: Various modes of inheritance.

Allele frequency attached by ClinVar (database versions not stated): TOPMed below 0.00001.
gnomAD v4.1: 21 of 1,613,716 alleles (0.0013%); highest among the groups gnomAD compares: Non-Finnish European, 0.0016%; no homozygotes.

Submissions (2):

Labcorp Genetics (formerly Invitae), Labcorp
Classification: Uncertain significance for Long QT syndrome. Last evaluated: 2024-09-08. Review status: criteria provided, single submitter. Criteria: Invitae Variant Classification Sherloc (09022015). Collection method: clinical testing. Allele origin: germline.
Comment: This sequence change replaces glycine, which is neutral and non-polar, with valine, which is neutral and non-polar, at codon 1439 of the ANK2 protein (p.Gly1439Val). This variant is not present in population databases (gnomAD no frequency). This variant has not been reported in the literature in individuals affected with ANK2-related conditions. ClinVar contains an entry for this variant (Variation ID: 934976). Invitae Evidence Modeling of protein sequence and biophysical properties (such as structural, functional, and spatial information, amino acid conservation, physicochemical variation, residue mobility, and thermodynamic stability) indicates that this missense variant is not expected to disrupt ANK2 protein function with a negative predictive value of 80%. In summary, the available evidence is currently insufficient to determine the role of this variant in disease. Therefore, it has been classified as a Variant of Uncertain Significance.

Ambry Genetics
Classification: Uncertain significance for Cardiovascular phenotype. Last evaluated: 2023-12-07. Review status: criteria provided, single submitter. Criteria: Ambry Variant Classification Scheme 2023. Collection method: clinical testing. Allele origin: germline.
Comment: The p.G1439V variant (also known as c.4316G>T), located in coding exon 35 of the ANK2 gene, results from a G to T substitution at nucleotide position 4316. The glycine at codon 1439 is replaced by valine, an amino acid with dissimilar properties. This amino acid position is conserved. In addition, the in silico prediction for this alteration is inconclusive. Since supporting evidence is limited at this time, the clinical significance of this alteration remains unclear.